The following is an entry in ClinVar:

NM_033004.4(NLRP1):c.3719G>A (p.Arg1240His)

Gene: NLRP1 (NLR family pyrin domain containing 1; minus strand). Cytogenetic location: 17p13.2.
Variant type: single nucleotide variant.
Coding change: c.3719G>A on transcript NM_033004.4 (MANE Select); coding-DNA position 3719, G replaced by A.
Protein change: p.Arg1240His; replaces arginine 1240 with histidine.
Molecular consequence: missense variant.
Genome position (GRCh38, 1-based): chr17:5,521,588, C>T on the plus strand (G>A on the coding strand, the complement: NLRP1 is on the minus strand). VCF-style: chr17-5521588-C-T. GRCh37 (hg19) VCF-style: chr17-5424908-C-T.
Other names: c.3731G>A, p.Arg1244His (NM_001033053.3); c.3719G>A, p.Arg1240His (NM_014922.5); c.3629G>A, p.Arg1210His (NM_033006.4, NM_033007.4); short protein forms R1240H, R1244H, R1210H.
Identifiers: ClinVar variation 1484707 (VCV001484707.6), dbSNP rs199948263, ClinGen allele CA8326764.

ClinVar aggregate classification (germline): Uncertain significance (1 of 4 stars; one submission).

Allele frequency attached by ClinVar (database versions not stated): ExAC 0.00002; gnomAD exomes 0.00005; gnomAD 0.00006; TOPMed 0.00006; ESP Exome Variant Server 0.00008.
gnomAD v4.1: 52 of 1,613,956 alleles (0.0032%); highest among the groups gnomAD compares: Middle Eastern, 0.017%; no homozygotes.

Submission:

Labcorp Genetics (formerly Invitae), Labcorp
Classification: Uncertain significance. Last evaluated: 2025-08-26. Review status: criteria provided, single submitter. Criteria: Invitae Variant Classification Sherloc (09022015). Collection method: clinical testing. Allele origin: germline.
Comment: This sequence change replaces arginine, which is basic and polar, with histidine, which is basic and polar, at codon 1240 of the NLRP1 protein (p.Arg1240His). This variant is present in population databases (rs199948263, gnomAD 0.01%). This variant has not been reported in the literature in individuals affected with NLRP1-related conditions. ClinVar contains an entry for this variant (Variation ID: 1484707). An algorithm developed to predict the effect of missense changes on protein structure and function outputs the following: PolyPhen-2: "Benign". The histidine amino acid residue is found in multiple mammalian species, which suggests that this missense change does not adversely affect protein function. In summary, the available evidence is currently insufficient to determine the role of this variant in disease. Therefore, it has been classified as a Variant of Uncertain Significance.